The following is an entry in ClinVar:

ClinVar aggregate classification (germline): Uncertain significance (1 of 4 stars; one submission).

Allele frequency attached by ClinVar (database versions not stated): gnomAD exomes below 0.00001.
gnomAD v4.1: 2 of 1,558,004 alleles (0.00013%); highest among the groups gnomAD compares: African/African-American, 0.0014%; no homozygotes.

Submission:

Labcorp Genetics (formerly Invitae), Labcorp
Classification: Uncertain significance. Last evaluated: 2021-12-02. Review status: criteria provided, single submitter. Criteria: Invitae Variant Classification Sherloc (09022015). Collection method: clinical testing. Allele origin: germline.
Comment: Algorithms developed to predict the effect of missense changes on protein structure and function are either unavailable or do not agree on the potential impact of this missense change (SIFT: "Deleterious"; PolyPhen-2: "Benign"; Align-GVGD: "Class C0"). In summary, the available evidence is currently insufficient to determine the role of this variant in disease. Therefore, it has been classified as a Variant of Uncertain Significance. This variant has not been reported in the literature in individuals affected with EPRS-related conditions. This variant is not present in population databases (gnomAD no frequency). This sequence change replaces threonine, which is neutral and polar, with isoleucine, which is neutral and non-polar, at codon 76 of the EPRS protein (p.Thr76Ile).

NM_004446.3(EPRS1):c.227C>T (p.Thr76Ile)

Gene: EPRS1 (glutamyl-prolyl-tRNA synthetase 1; minus strand). Cytogenetic location: 1q41.
Variant type: single nucleotide variant.
Coding change: c.227C>T on transcript NM_004446.3 (MANE Select); coding-DNA position 227, C replaced by T.
Protein change: p.Thr76Ile; replaces threonine 76 with isoleucine.
Molecular consequence: missense variant.
Genome position (GRCh38, 1-based): chr1:220,034,918, G>A on the plus strand (C>T on the coding strand, the complement: EPRS1 is on the minus strand). VCF-style: chr1-220034918-G-A. GRCh37 (hg19) VCF-style: chr1-220208260-G-A.
Other names: short protein forms T76I.
Identifiers: ClinVar variation 1681013 (VCV001681013.6), dbSNP rs2102597813, ClinGen allele CA344640077.